The following is an entry in ClinVar:

ClinVar aggregate classification (germline): Uncertain significance (1 of 4 stars; one submission).

Conditions:
Hereditary cancer-predisposing syndrome. Also called: Neoplastic Syndromes, Hereditary; Hereditary neoplastic syndrome; Tumor predisposition; Hereditary Cancer Syndrome. Identifiers: Orphanet 140162, MedGen C0027672, MeSH D009386, MONDO:0015356.

Submission:

Ambry Genetics
Classification: Uncertain significance for Hereditary cancer-predisposing syndrome. Last evaluated: 2022-11-14. Review status: criteria provided, single submitter. Criteria: Ambry Variant Classification Scheme 2023. Collection method: clinical testing. Allele origin: germline.
Comment: The p.N125K variant (also known as c.375C>A), located in coding exon 5 of the MAX gene, results from a C to A substitution at nucleotide position 375. The asparagine at codon 125 is replaced by lysine, an amino acid with similar properties. This amino acid position is highly conserved in available vertebrate species. In addition, the in silico prediction for this alteration is inconclusive. Since supporting evidence is limited at this time, the clinical significance of this alteration remains unclear.

NM_002382.5(MAX):c.375C>A (p.Asn125Lys)

Gene: MAX (MYC associated transcriptional regulator X; minus strand). Cytogenetic location: 14q23.3.
Variant type: single nucleotide variant.
Coding change: c.375C>A on transcript NM_002382.5 (MANE Select); coding-DNA position 375, C replaced by A.
Protein change: p.Asn125Lys; replaces asparagine 125 with lysine.
Molecular consequence: missense variant. On other transcripts: 3 prime UTR variant (12), non-coding transcript variant (7), intron variant (2).
Genome position (GRCh38, 1-based): chr14:65,076,584, G>T on the plus strand (C>A on the coding strand, the complement: MAX is on the minus strand). VCF-style: chr14-65076584-G-T. GRCh37 (hg19) VCF-style: chr14-65543302-G-T.
Other names: c.186C>A, p.Asn62Lys (NM_001320415.2, NM_001407105.1, NM_001407106.1 and 1 more transcripts); c.375C>A, p.Asn125Lys (NM_001407094.1); c.348C>A, p.Asn116Lys (NM_001407095.1, NM_145112.3); c.*148C>A (NM_001407096.1, NM_001407099.1, NM_001407102.1 and 2 more transcripts); c.*164C>A (NM_001407097.1, NM_001407100.1, NM_001407101.1 and 4 more transcripts); c.267C>A, p.Asn89Lys (NM_001407098.1); c.174C>A, p.Asn58Lys (NM_001407111.1, NM_001407112.1); c.144+17124C>A (NM_001271069.2); and 1 more; short protein forms N89K, N125K, N58K, N62K, N116K.
Identifiers: ClinVar variation 2453893 (VCV002453893.2), dbSNP rs370238588, ClinGen allele CA390031738.